The following is an entry in ClinVar:

NM_001127671.2(LIFR):c.1469C>G (p.Ser490Ter)

Gene: LIFR (LIF receptor subunit alpha; minus strand). Cytogenetic location: 5p13.1.
Variant type: single nucleotide variant.
Coding change: c.1469C>G on transcript NM_001127671.2 (MANE Select); coding-DNA position 1469, C replaced by G.
Protein change: p.Ser490Ter; replaces serine 490 with a stop codon.
Molecular consequence: nonsense.
Genome position (GRCh38, 1-based): chr5:38,502,768, G>C on the plus strand (C>G on the coding strand, the complement: LIFR is on the minus strand). VCF-style: chr5-38502768-G-C. GRCh37 (hg19) VCF-style: chr5-38502870-G-C.
Other names: c.1469C>G, p.Ser490Ter (NM_001364297.2, NM_001364298.2, NM_002310.6); short protein forms S490*.
Identifiers: ClinVar variation 1070966 (VCV001070966.11), dbSNP rs2112457636, ClinGen allele CA359542370.

ClinVar aggregate classification (germline): Pathogenic/Likely pathogenic. Review status: criteria provided, multiple submitters, no conflicts (2 of 4 stars). 3 submissions from 3 submitters: Pathogenic (2); Likely pathogenic (1). Last evaluated 2024-02-12.

Conditions:
Stüve-Wiedemann syndrome 1. Also called: STUVE-WIEDEMANN/SCHWARTZ-JAMPEL TYPE 2 SYNDROME. Identifiers: Orphanet 3206, MedGen C5676888, MONDO:0800043, OMIM 601559.

Submissions (3):

Fulgent Genetics
Classification: Likely pathogenic for Stüve-Wiedemann syndrome 1. Last evaluated: 2024-02-12. Review status: criteria provided, single submitter. Criteria: ACMG Guidelines, 2015. Collection method: clinical testing. Allele origin: germline.

Labcorp Genetics (formerly Invitae), Labcorp
Classification: Pathogenic. Last evaluated: 2020-07-03. Review status: criteria provided, single submitter. Criteria: Invitae Variant Classification Sherloc (09022015). Collection method: clinical testing. Allele origin: germline.
Comment: For these reasons, this variant has been classified as Pathogenic. Loss-of-function variants in LIFR are known to be pathogenic (PMID: 14740318). This variant has not been reported in the literature in individuals with LIFR-related conditions. This variant is not present in population databases (ExAC no frequency). This sequence change creates a premature translational stop signal (p.Ser490*) in the LIFR gene. It is expected to result in an absent or disrupted protein product.

Revvity Omics, Revvity
Classification: Pathogenic for Stüve-Wiedemann syndrome 1. Last evaluated: 2020-03-17. Review status: criteria provided, single submitter. Criteria: ACMG Guidelines, 2015. Collection method: clinical testing. Allele origin: germline.

Literature cited by the submitters: PubMed 14740318 (cited by Labcorp Genetics (formerly Invitae), Labcorp).